The following is an entry in ClinVar:

NM_006767.4(LZTR1):c.1885G>A (p.Val629Met)

Gene: LZTR1 (leucine zipper like post translational regulator 1; plus strand). Cytogenetic location: 22q11.21.
Variant type: single nucleotide variant.
Coding change: c.1885G>A on transcript NM_006767.4 (MANE Select); coding-DNA position 1885, G replaced by A.
Protein change: p.Val629Met; replaces valine 629 with methionine.
Molecular consequence: missense variant.
Genome position (GRCh38, 1-based): chr22:20,994,969, G>A. VCF-style: chr22-20994969-G-A. GRCh37 (hg19) VCF-style: chr22-21349258-G-A.
Other names: short protein forms V629M.
Identifiers: ClinVar variation 2630418 (VCV002630418.4), dbSNP rs2518622542, ClinGen allele CA410778664.

ClinVar aggregate classification (germline): Uncertain significance. Review status: criteria provided, multiple submitters, no conflicts (2 of 4 stars). 3 submissions from 3 submitters: Uncertain significance (3). Last evaluated 2025-01-09.

Conditions:
Cardiovascular phenotype. Identifiers: MedGen CN230736.
Hereditary cancer-predisposing syndrome. Also called: Tumor predisposition; Neoplastic Syndromes, Hereditary; Hereditary neoplastic syndrome; Hereditary Cancer Syndrome. Identifiers: Orphanet 140162, MedGen C0027672, MeSH D009386, MONDO:0015356.
LZTR1-related disorder. Also called: LZTR1-related disorders; LZTR1-related condition.

Submissions (3):

Ambry Genetics
Classification: Uncertain significance for Cardiovascular phenotype; Hereditary cancer-predisposing syndrome. Last evaluated: 2025-01-09. Review status: criteria provided, single submitter. Criteria: Ambry Variant Classification Scheme 2023. Collection method: clinical testing. Allele origin: germline.
Comment: The p.V629M variant (also known as c.1885G>A), located in coding exon 16 of the LZTR1 gene, results from a G to A substitution at nucleotide position 1885. The valine at codon 629 is replaced by methionine, an amino acid with highly similar properties. This amino acid position is conserved. In addition, the in silico prediction for this alteration is inconclusive. Based on the available evidence, the clinical significance of this variant remains unclear.

Labcorp Genetics (formerly Invitae), Labcorp
Classification: Uncertain significance. Last evaluated: 2024-10-05. Review status: criteria provided, single submitter. Criteria: Invitae Variant Classification Sherloc (09022015). Collection method: clinical testing. Allele origin: germline.
Comment: This sequence change replaces valine, which is neutral and non-polar, with methionine, which is neutral and non-polar, at codon 629 of the LZTR1 protein (p.Val629Met). This variant is not present in population databases (gnomAD no frequency). This variant has not been reported in the literature in individuals affected with LZTR1-related conditions. ClinVar contains an entry for this variant (Variation ID: 2630418). Invitae Evidence Modeling of protein sequence and biophysical properties (such as structural, functional, and spatial information, amino acid conservation, physicochemical variation, residue mobility, and thermodynamic stability) indicates that this missense variant is not expected to disrupt LZTR1 protein function with a negative predictive value of 80%. In summary, the available evidence is currently insufficient to determine the role of this variant in disease. Therefore, it has been classified as a Variant of Uncertain Significance.

PreventionGenetics, part of Exact Sciences
Classification: Uncertain significance for LZTR1-related condition. Last evaluated: 2023-02-14. Review status: criteria provided, single submitter. Criteria: ACMG Guidelines, 2015. Collection method: clinical testing. Allele origin: germline.
Comment: The LZTR1 c.1885G>A variant is predicted to result in the amino acid substitution p.Val629Met. To our knowledge, this variant has not been reported in the literature or in a large population database, indicating this variant is rare. At this time, the clinical significance of this variant is uncertain due to the absence of conclusive functional and genetic evidence.